The following is an entry in ClinVar:

ClinVar aggregate classification (germline): Uncertain significance (1 of 4 stars; one submission).

Conditions:
Encephalopathy, acute, infection-induced (herpes-specific), susceptibility to, 6. Also called: Herpes simplex encephalitis, susceptibility to, 4. Identifiers: Orphanet 1930, MedGen C3553869, MONDO:0013921, OMIM 614850.

Submission:

Labcorp Genetics (formerly Invitae), Labcorp
Classification: Uncertain significance for Herpes simplex encephalitis, susceptibility to, 4. Last evaluated: 2019-11-15. Review status: criteria provided, single submitter. Criteria: Invitae Variant Classification Sherloc (09022015). Collection method: clinical testing. Allele origin: germline.
Comment: This sequence change replaces glutamic acid with valine at codon 87 of the TICAM1 protein (p.Glu87Val). The glutamic acid residue is moderately conserved and there is a moderate physicochemical difference between glutamic acid and valine. This variant is not present in population databases (ExAC no frequency). This variant has not been reported in the literature in individuals with TICAM1-related conditions. Algorithms developed to predict the effect of missense changes on protein structure and function are either unavailable or do not agree on the potential impact of this missense change (SIFT: "Deleterious"; PolyPhen-2: "Benign"; Align-GVGD: "Class C15"). In summary, the available evidence is currently insufficient to determine the role of this variant in disease. Therefore, it has been classified as a Variant of Uncertain Significance.

NM_182919.4(TICAM1):c.260A>T (p.Glu87Val)

Gene: TICAM1 (TIR domain containing adaptor molecule 1; minus strand). Cytogenetic location: 19p13.3.
Variant type: single nucleotide variant.
Coding change: c.260A>T on transcript NM_182919.4 (MANE Select); coding-DNA position 260, A replaced by T.
Protein change: p.Glu87Val; replaces glutamic acid 87 with valine.
Molecular consequence: missense variant.
Genome position (GRCh38, 1-based): chr19:4,818,118, T>A on the plus strand (A>T on the coding strand, the complement: TICAM1 is on the minus strand). VCF-style: chr19-4818118-T-A. GRCh37 (hg19) VCF-style: chr19-4818130-T-A.
Other names: short protein forms E87V.
Identifiers: ClinVar variation 956078 (VCV000956078.1), dbSNP rs2093590817, ClinGen allele CA403493118.
Genomic context (GRCh38, chr19:4,818,118, plus strand): 5'-TTCTCCTCAGCCAGCAGGTGGTACAAGCGGGCCACAGCCCAGGACACATCTGGGGGCTCC[T>A]CTGGGTCCTCGGTGCTGTCCACGCCAGCCCACTGGCGGGCCACCAGCCGGGCCACCGCAT-3'
Protein context (NP_891549.1, residues 77-97): WAGVDSTEDP[Glu87Val]EPPDVSWAVA